The following is an entry in ClinVar:

ClinVar aggregate classification (germline): Uncertain significance (1 of 4 stars; one submission).

Submission:

GeneDx
Classification: Uncertain significance. Last evaluated: 2025-12-16. Review status: criteria provided, single submitter. Criteria: GeneDx Variant Classification Process June 2021. Collection method: clinical testing. Allele origin: germline.
Comment: Has not been previously published as pathogenic or benign to our knowledge; Not observed at significant frequency in large population cohorts (gnomAD); In silico analysis supports that this missense variant has a deleterious effect on protein structure/function

NM_181675.4(PPP2R2B):c.434T>G (p.Ile145Ser)

Gene: PPP2R2B (protein phosphatase 2 regulatory subunit Bbeta; minus strand). Cytogenetic location: 5q32.
Variant type: single nucleotide variant.
Coding change: c.434T>G on transcript NM_181675.4 (MANE Select); coding-DNA position 434, T replaced by G.
Protein change: p.Ile145Ser; replaces isoleucine 145 with serine.
Molecular consequence: missense variant. On other transcripts: non-coding transcript variant (2).
Genome position (GRCh38, 1-based): chr5:146,691,141, A>C on the plus strand (T>G on the coding strand, the complement: PPP2R2B is on the minus strand). VCF-style: chr5-146691141-A-C. GRCh37 (hg19) VCF-style: chr5-146070704-A-C.
Other names: c.452T>G, p.Ile151Ser (NM_001271899.1); c.608T>G, p.Ile203Ser (NM_001271900.2); c.401T>G, p.Ile134Ser (NM_001271948.2, NM_181678.2); c.632T>G, p.Ile211Ser (NM_181674.3); c.443T>G, p.Ile148Ser (NM_181676.3); c.374T>G, p.Ile125Ser (NM_181677.2); short protein forms I125S, I134S, I145S, I148S, I151S, I203S, I211S.
Identifiers: ClinVar variation 3252958 (VCV003252958.2), dbSNP rs2483316245.